The following is an entry in ClinVar:

ClinVar aggregate classification (germline): Conflicting classifications of pathogenicity. Review status: criteria provided, conflicting classifications (1 of 4 stars). 26 submissions from 26 submitters: Uncertain significance (1); Benign (14); Likely benign (5). 6 of the submissions do not count toward it. Last evaluated 2026-02-03.

Conditions:
Hereditary cancer-predisposing syndrome. Also called: Neoplastic Syndromes, Hereditary; Hereditary Cancer Syndrome; Tumor predisposition; Hereditary neoplastic syndrome. Identifiers: Orphanet 140162, MedGen C0027672, MeSH D009386, MONDO:0015356.
Breast and/or ovarian cancer. Identifiers: MedGen CN221562.
Hereditary breast ovarian cancer syndrome. Also called: BRCA1- and BRCA2-Associated Hereditary Breast and Ovarian Cancer; Hereditary breast and ovarian cancer syndrome; Hereditary breast and ovarian cancer syndrome (HBOC); Hereditary breast and/or ovarian cancer syndrome; Hereditary breast and ovarian cancer; Breast and ovarian cancer. Identifiers: Orphanet 145, MedGen C0677776, MeSH D061325, MONDO:0003582. Disease mechanism: loss of function.
Familial cancer of breast. Also called: BREAST CANCER, FAMILIAL; hereditary breast carcinoma; Hereditary breast cancer. Identifiers: Orphanet 227535, MedGen C0346153, MONDO:0016419, OMIM 114480. Disease mechanism: loss of function.
Ataxia-telangiectasia syndrome (AT). Also called: Ataxia-telangiectasia, complementation group D; AT, COMPLEMENTATION GROUP C; Ataxia-telangiectasia; ATAXIA-TELANGIECTASIA, COMPLEMENTATION GROUP A; ATAXIA-TELANGIECTASIA, FRESNO VARIANT; Ataxia-telangiectasia, complementation group E. Identifiers: Orphanet 100, MedGen C0004135, MONDO:0008840, OMIM 208900.

Allele frequency attached by ClinVar (database versions not stated): gnomAD exomes 0.00036 and 0.00096; gnomAD 0.00394 and 0.00424; TOPMed 0.00494; 1000 Genomes Project 0.00240; 1000 Genomes Project 30x 0.00250; ExAC 0.00130; ESP Exome Variant Server 0.00393.
gnomAD v4.1: 1,130 of 1,598,250 alleles (0.071%); highest among the groups gnomAD compares: African/African-American, 1.3%; 9 homozygotes.

Submissions (26):

Labcorp Genetics (formerly Invitae), Labcorp
Classification: Benign for Ataxia-telangiectasia syndrome. Last evaluated: 2026-02-03. Review status: criteria provided, single submitter. Criteria: Invitae Variant Classification Sherloc (09022015). Collection method: clinical testing. Allele origin: germline.

Mayo Clinic Laboratories, Mayo Clinic
Classification: Benign. Last evaluated: 2025-04-30. Review status: criteria provided, single submitter. Criteria: ACMG Guidelines, 2015. Collection method: clinical testing. Allele origin: germline. Observed: 3 variant alleles.
Comment: BA1

Center for Genomic Medicine, Rigshospitalet, Copenhagen University Hospital
Classification: Benign. Last evaluated: 2025-03-04. Review status: criteria provided, single submitter. Criteria: ACMG Guidelines, 2015. Collection method: clinical testing. Allele origin: germline.

CeGaT Center for Human Genetics Tuebingen
Classification: Likely benign. Last evaluated: 2025-01-01. Review status: criteria provided, single submitter. Criteria: CeGaT Center For Human Genetics Tuebingen Variant Classification Criteria Version 2. Collection method: clinical testing. Allele origin: germline. Affected: yes. Observed: 1 variant allele.
Comment: ATM: BP4, BS1

Blueprint Genetics
Classification: Likely benign. Last evaluated: 2024-11-27. Review status: criteria provided, single submitter. Criteria: ACMG Guidelines, 2015. Collection method: clinical testing. Allele origin: germline.

Myriad Genetics, Inc.
Classification: Benign for Familial cancer of breast. Last evaluated: 2024-06-06. Review status: criteria provided, single submitter. Criteria: Myriad Autosomal Dominant, Autosomal Recessive and X-Linked Classification Criteria (2023). Collection method: clinical testing. Allele origin: unknown.
Comment: This variant is considered benign. This variant has been observed at a population frequency that is significantly greater than expected given the associated disease prevalence and penetrance.

ARUP Laboratories, Molecular Genetics and Genomics, ARUP Laboratories
Classification: Benign. Last evaluated: 2024-02-15. Review status: criteria provided, single submitter. Criteria: ARUP Molecular Germline Variant Investigation Process 2024. Collection method: clinical testing. Allele origin: germline.

KCCC/NGS Laboratory, Kuwait Cancer Control Center
Classification: Benign for Familial cancer of breast. Last evaluated: 2023-07-07. Review status: criteria provided, single submitter. Criteria: ACMG Guidelines, 2015. Collection method: clinical testing. Allele origin: germline. Affected: yes.

Quest Diagnostics Nichols Institute San Juan Capistrano
Classification: Benign. Last evaluated: 2022-12-29. Review status: criteria provided, single submitter. Criteria: Quest Diagnostics criteria. Collection method: clinical testing. Allele origin: unknown.

Institute for Biomarker Research, Medical Diagnostic Laboratories, L.L.C.
Classification: Benign for Hereditary cancer-predisposing syndrome. Last evaluated: 2022-05-11. Review status: criteria provided, single submitter. Criteria: ACMG Guidelines, 2015. Collection method: clinical testing. Allele origin: germline.

National Health Laboratory Service, Universitas Academic Hospital and University of the Free State
Classification: Likely benign for Hereditary breast ovarian cancer syndrome. Last evaluated: 2022-04-19. Review status: criteria provided, single submitter. Criteria: ACMG Guidelines, 2015. Collection method: clinical testing. Allele origin: germline. Affected: yes. Observed: 6 variant alleles.

CHEO Genetics Diagnostic Laboratory, Children's Hospital of Eastern Ontario
Classification: Uncertain significance for Breast and/or ovarian cancer. Last evaluated: 2021-09-21. Review status: criteria provided, single submitter. Criteria: ACMG Guidelines, 2015. Collection method: clinical testing. Allele origin: germline.

Athena Diagnostics
Classification: Benign. Last evaluated: 2018-06-14. Review status: criteria provided, single submitter. Criteria: Athena Diagnostics Criteria. Collection method: clinical testing. Allele origin: germline.

Genetic Services Laboratory, University of Chicago
Classification: Benign. Last evaluated: 2018-01-25. Review status: criteria provided, single submitter. Criteria: ACMG Guidelines, 2015. Collection method: clinical testing. Allele origin: germline. Affected: no.

Illumina Laboratory Services, Illumina
Classification: Likely benign for Ataxia-telangiectasia syndrome. Last evaluated: 2017-04-28. Review status: criteria provided, single submitter. Criteria: ICSL Variant Classification Criteria 13 December 2019. Collection method: clinical testing. Allele origin: germline.
Comment: This variant was observed as part of a predisposition screen in an ostensibly healthy population. A literature search was performed for the gene, cDNA change, and amino acid change (where applicable). No publications were found based on this search. Allele frequency data from public databases allowed determination this variant is unlikely to cause disease. Therefore, this variant is classified as likely benign.

PreventionGenetics, part of Exact Sciences
Classification: Benign. Last evaluated: 2016-10-03. Review status: criteria provided, single submitter. Criteria: ACMG Guidelines, 2015. Collection method: clinical testing. Allele origin: germline.

Color Diagnostics, LLC DBA Color Health
Classification: Benign for Hereditary cancer-predisposing syndrome. Last evaluated: 2014-12-16. Review status: criteria provided, single submitter. Criteria: ACMG Guidelines, 2015. Collection method: clinical testing. Allele origin: germline.

Ambry Genetics
Classification: Benign for Hereditary cancer-predisposing syndrome. Last evaluated: 2014-11-21. Review status: criteria provided, single submitter. Criteria: Ambry Variant Classification Scheme 2023. Collection method: clinical testing. Allele origin: germline.

GeneDx
Classification: Benign. Last evaluated: 2013-10-11. Review status: criteria provided, single submitter. Criteria: GeneDx Variant Classification (06012015). Collection method: clinical testing. Allele origin: germline. Affected: yes.
Comment: This variant is considered likely benign or benign based on one or more of the following criteria: it is a conservative change, it occurs at a poorly conserved position in the protein, it is predicted to be benign by multiple in silico algorithms, and/or has population frequency not consistent with disease.

Breakthrough Genomics
Classification: Likely benign. Review status: criteria provided, single submitter. Criteria: ACMG Guidelines, 2015. Collection method: not provided. Allele origin: germline. Inheritance: Autosomal recessive inheritance. Affected: yes.

Natera, Inc.
Classification: Benign for Ataxia-telangiectasia. Last evaluated: 2020-09-16. Review status: no assertion criteria provided. Collection method: clinical testing. Allele origin: germline. Not counted in ClinVar's aggregate classification.

ITMI
No classification provided. Condition: AllHighlyPenetrant. Last evaluated: 2013-09-19. Review status: no classification provided. Collection method: reference population. Allele origin: germline. Not counted in ClinVar's aggregate classification.
Comment: Please see associated publication for description of ethnicities

Clinical Genetics DNA and cytogenetics Diagnostics Lab, Erasmus MC, Erasmus Medical Center
Classification: Benign. Review status: no assertion criteria provided. Collection method: clinical testing. Allele origin: germline. Affected: yes. Study: VKGL Data-share Consensus. Not counted in ClinVar's aggregate classification.

Department of Pathology and Laboratory Medicine, Sinai Health System
Classification: Benign. Review status: no assertion criteria provided. Collection method: clinical testing. Allele origin: unknown. Affected: yes. Study: The Canadian Open Genetics Repository (COGR). Not counted in ClinVar's aggregate classification.
Comment: The ATM p.Ser2146Thr variant was not identified in the literature nor was it identified in the COGR, Cosmic, or ATM-LOVD databases. The variant was identified in dbSNP (ID: rs56815840) as "With other allele ", ClinVar (classified as benign by GeneDx, Ambry Genetics, Invitae, Color Genomics; as likely benign by one clinical laboratory), MutDB, and in LOVD 3.0 (1x as benign). The variant was identified in control databases in 347 of 275004 chromosomes (3 homozygous) at a frequency of 0.001 increasing the likelihood this could be a low frequency benign variant (Genome Aggregation Database Feb 27, 2017). The variant was observed in the following populations: African in 300 of 24016 chromosomes (freq: 0.013), Other in 11 of 6442 chromosomes (freq: 0.002), Latino in 33 of 34386 chromosomes (freq: 0.0009), European in 3 of 124640 chromosomes (freq: 0.00002), while the variant was not observed in the Ashkenazi Jewish, East Asian, Finnish, and South Asian populations. The p.Ser2146 residue is not conserved in mammals and computational analyses (PolyPhen-2, SIFT, AlignGVGD, BLOSUM, MutationTaster) do not suggest a high likelihood of impact to the protein; however, this information is not predictive enough to rule out pathogenicity. The variant occurs outside of the splicing consensus sequence and 1 of 4 in silico or computational prediction software programs (SpliceSiteFinder, MaxEntScan, NNSPLICE, GeneSplicer) predict a greater than 10% difference in splicing; this is not very predictive of pathogenicity. In summary, based on the above information this variant meets our laboratory's criteria to be classified as benign.

Genome Diagnostics Laboratory, Amsterdam University Medical Center
Classification: Benign. Review status: no assertion criteria provided. Collection method: clinical testing. Allele origin: germline. Affected: yes. Study: VKGL Data-share Consensus. Not counted in ClinVar's aggregate classification.

Joint Genome Diagnostic Labs from Nijmegen and Maastricht, Radboudumc and MUMC+
Classification: Benign. Review status: no assertion criteria provided. Collection method: clinical testing. Allele origin: germline. Affected: yes. Study: VKGL Data-share Consensus. Not counted in ClinVar's aggregate classification.

Literature cited by the submitters: PubMed 33471991 (cited by Quest Diagnostics Nichols Institute San Juan Capistrano); PubMed 17333338 (cited by Quest Diagnostics Nichols Institute San Juan Capistrano and Athena Diagnostics); PubMed 24728327 (cited by 3 submitters); PubMed 12917204 (cited by Quest Diagnostics Nichols Institute San Juan Capistrano and Athena Diagnostics); PubMed 23555315 (cited by Quest Diagnostics Nichols Institute San Juan Capistrano and Athena Diagnostics).

NM_000051.4(ATM):c.6437G>C (p.Ser2146Thr)

Genes: ATM (ATM serine/threonine kinase; plus strand), C11orf65 (chromosome 11 open reading frame 65; minus strand). Cytogenetic location: 11q22.3.
Variant type: single nucleotide variant.
Coding change: c.6437G>C on transcript NM_000051.4 (MANE Select); coding-DNA position 6437, G replaced by C.
Protein change: p.Ser2146Thr; replaces serine 2146 with threonine.
Molecular consequence: missense variant. On other transcripts: intron variant (2).
Genome position (GRCh38, 1-based): chr11:108,320,043, G>C. VCF-style: chr11-108320043-G-C. GRCh37 (hg19) VCF-style: chr11-108190770-G-C.
Other names: p.S2146T:AGT>ACT; NP_000042.3:p.Ser2146Thr; c.6437G>C, p.Ser2146Thr (NM_001351834.2); c.641-10972C>G (NM_001330368.2); c.*39-10972C>G (NM_001351110.2); short protein forms S2146T.
Identifiers: ClinVar variation 133630 (VCV000133630.62), dbSNP rs56815840, ClinGen allele CA157159.